The following is an entry in ClinVar:

NM_003000.3(SDHB):c.72+174C>G

Gene: SDHB (succinate dehydrogenase complex iron sulfur subunit B; minus strand). Cytogenetic location: 1p36.13.
Variant type: single nucleotide variant.
Coding change: c.72+174C>G on transcript NM_003000.3 (MANE Select); 174 bases into the intron after coding-DNA position 72, C replaced by G.
Molecular consequence: intron variant.
Genome position (GRCh38, 1-based): chr1:17,053,774, G>C on the plus strand (C>G on the coding strand, the complement: SDHB is on the minus strand). VCF-style: chr1-17053774-G-C. GRCh37 (hg19) VCF-style: chr1-17380269-G-C.
Identifiers: ClinVar variation 677080 (VCV000677080.2), dbSNP rs2746463, ClinGen allele CA10764180.

ClinVar aggregate classification (germline): Benign. Review status: criteria provided, multiple submitters, no conflicts (2 of 4 stars). 2 submissions from 2 submitters: Benign (2). Last evaluated 2018-06-15.

Allele frequency attached by ClinVar (database versions not stated): 1000 Genomes Project 0.09105; 1000 Genomes Project 30x 0.09463; gnomAD 0.09729 and 0.10001; TOPMed 0.10167.
gnomAD v4.1: 14,503 of 149,292 alleles (9.7%); highest among the groups gnomAD compares: African/African-American, 17%; 888 homozygotes.

Submissions (2):

GeneDx
Classification: Benign. Last evaluated: 2018-06-15. Review status: criteria provided, single submitter. Criteria: GeneDx Variant Classification (06012015). Collection method: clinical testing. Allele origin: germline. Affected: yes.
Comment: This variant is considered likely benign or benign based on one or more of the following criteria: it is a conservative change, it occurs at a poorly conserved position in the protein, it is predicted to be benign by multiple in silico algorithms, and/or has population frequency not consistent with disease.

Breakthrough Genomics
Classification: Benign. Review status: criteria provided, single submitter. Criteria: ACMG Guidelines, 2015. Collection method: not provided. Allele origin: germline. Inheritance: Autosomal recessive inheritance. Affected: yes.